The following is an entry in ClinVar:

NM_005022.4(PFN1):c.406C>T (p.Arg136Trp)

Gene: PFN1 (profilin 1; minus strand). Cytogenetic location: 17p13.2.
Variant type: single nucleotide variant.
Coding change: c.406C>T on transcript NM_005022.4 (MANE Select); coding-DNA position 406, C replaced by T.
Protein change: p.Arg136Trp; replaces arginine 136 with tryptophan.
Molecular consequence: missense variant. On other transcripts: 3 prime UTR variant (1).
Genome position (GRCh38, 1-based): chr17:4,945,917, G>A on the plus strand (C>T on the coding strand, the complement: PFN1 is on the minus strand). VCF-style: chr17-4945917-G-A. GRCh37 (hg19) VCF-style: chr17-4849212-G-A.
Other names: c.*490C>T (NM_001375991.1); short protein forms R136W.
Identifiers: ClinVar variation 1494795 (VCV001494795.6), dbSNP rs141382214, ClinGen allele CA397338067.

ClinVar aggregate classification (germline): Uncertain significance (1 of 4 stars; one submission).

Allele frequency attached by ClinVar (database versions not stated): gnomAD exomes below 0.00001.
gnomAD v4.1: 4 of 1,608,202 alleles (0.00025%); highest among the groups gnomAD compares: Non-Finnish European, 0.00034%; no homozygotes.

Submission:

Labcorp Genetics (formerly Invitae), Labcorp
Classification: Uncertain significance. Last evaluated: 2024-10-09. Review status: criteria provided, single submitter. Criteria: Invitae Variant Classification Sherloc (09022015). Collection method: clinical testing. Allele origin: germline.
Comment: This sequence change replaces arginine, which is basic and polar, with tryptophan, which is neutral and slightly polar, at codon 136 of the PFN1 protein (p.Arg136Trp). This variant is not present in population databases (gnomAD no frequency). This missense change has been observed in individual(s) with amyotrophic lateral sclerosis (PMID: 23428184). ClinVar contains an entry for this variant (Variation ID: 1494795). An algorithm developed to predict the effect of missense changes on protein structure and function (PolyPhen-2) suggests that this variant is likely to be tolerated. Experimental studies have shown that this missense change affects PFN1 function (PMID: 35248815). In summary, the available evidence is currently insufficient to determine the role of this variant in disease. Therefore, it has been classified as a Variant of Uncertain Significance.

Literature cited by the submitters: PubMed 23428184; PubMed 35248815.